The following is an entry in ClinVar:

ClinVar aggregate classification (germline): Likely benign (1 of 4 stars; one submission).

Allele frequency attached by ClinVar (database versions not stated): 1000 Genomes Project 30x 0.00312; 1000 Genomes Project 0.00359; gnomAD 0.00828 and 0.00861; TOPMed 0.00838.
gnomAD v4.1: 1,263 of 152,256 alleles (0.83%); highest among the groups gnomAD compares: Non-Finnish European, 1.4%; 11 homozygotes.

Submission:

GeneDx
Classification: Likely benign. Last evaluated: 2018-06-16. Review status: criteria provided, single submitter. Criteria: GeneDx Variant Classification (06012015). Collection method: clinical testing. Allele origin: germline. Affected: yes.
Comment: This variant is considered likely benign or benign based on one or more of the following criteria: it is a conservative change, it occurs at a poorly conserved position in the protein, it is predicted to be benign by multiple in silico algorithms, and/or has population frequency not consistent with disease.

NM_000426.4(LAMA2):c.8548-288T>C

Gene: LAMA2 (laminin subunit alpha 2; plus strand). Cytogenetic location: 6q22.33.
Variant type: single nucleotide variant.
Coding change: c.8548-288T>C on transcript NM_000426.4 (MANE Select); 288 bases into the intron before coding-DNA position 8548, T replaced by C.
Molecular consequence: intron variant.
Genome position (GRCh38, 1-based): chr6:129,504,912, T>C. VCF-style: chr6-129504912-T-C. GRCh37 (hg19) VCF-style: chr6-129826057-T-C.
Other names: c.8536-288T>C (NM_001079823.2).
Identifiers: ClinVar variation 671464 (VCV000671464.1), dbSNP rs111251029, ClinGen allele CA146924508.